The following is an entry in ClinVar:

ClinVar aggregate classification (germline): Benign. Review status: criteria provided, multiple submitters, no conflicts (2 of 4 stars). 3 submissions from 3 submitters: Benign (3). Last evaluated 2025-12-22.

Allele frequency attached by ClinVar (database versions not stated): gnomAD 0.00004 and 0.00108; ESP Exome Variant Server 0.00008; TOPMed 0.00021; gnomAD exomes 0.00180 and 0.00367; ExAC 0.00431; 1000 Genomes Project 0.00739; 1000 Genomes Project 30x 0.00765.
gnomAD v4.1: 2,797 of 1,611,902 alleles (0.17%); highest among the groups gnomAD compares: South Asian, 2.9%; 61 homozygotes.

Submissions (3):

Labcorp Genetics (formerly Invitae), Labcorp
Classification: Benign. Last evaluated: 2025-12-22. Review status: criteria provided, single submitter. Criteria: Invitae Variant Classification Sherloc (09022015). Collection method: clinical testing. Allele origin: germline.

Mayo Clinic Laboratories, Mayo Clinic
Classification: Benign. Last evaluated: 2024-05-14. Review status: criteria provided, single submitter. Criteria: ACMG Guidelines, 2015. Collection method: clinical testing. Allele origin: germline. Observed: 2 variant alleles.
Comment: BS1, BS2, BP4, BP7

Eurofins Ntd Llc (ga)
Classification: Benign. Last evaluated: 2014-12-12. Review status: criteria provided, single submitter. Criteria: EGL Classification Definitions 2015. Collection method: clinical testing. Allele origin: germline. Observed: 1 variant allele, 1 heterozygote.

NM_001098671.2(RASGRP2):c.240-6C>T

Gene: RASGRP2 (RAS guanyl releasing protein 2; minus strand). Cytogenetic location: 11q13.1.
Variant type: single nucleotide variant.
Coding change: c.240-6C>T on transcript NM_001098671.2 (MANE Select); 6 bases into the intron before coding-DNA position 240, C replaced by T.
Molecular consequence: intron variant.
Genome position (GRCh38, 1-based): chr11:64,741,085, G>A on the plus strand (C>T on the coding strand, the complement: RASGRP2 is on the minus strand). VCF-style: chr11-64741085-G-A. GRCh37 (hg19) VCF-style: chr11-64508557-G-A.
Other names: p.?; c.240-6C>T (NM_153819.2, NM_001440690.1, NM_001440698.1 and 13 more transcripts); c.327-6C>T (NM_001440705.1, NM_001440703.1, NM_001440704.1); c.-196-6C>T (NM_001318398.2).
Identifiers: ClinVar variation 197888 (VCV000197888.10), dbSNP rs201340963, ClinGen allele CA203144.